The following is an entry in ClinVar:

NM_004341.5(CAD):c.6629G>C (p.Gly2210Ala)

Genes: CAD (carbamoyl-phosphate synthetase 2, aspartate transcarbamylase, and dihydroorotase; plus strand), LOC126806172 (CDK7 strongly-dependent group 2 enhancer GRCh37_chr2:27465505-27466704; plus strand). Cytogenetic location: 2p23.3.
Variant type: single nucleotide variant.
Coding change: c.6629G>C on transcript NM_004341.5 (MANE Select); coding-DNA position 6629, G replaced by C.
Protein change: p.Gly2210Ala; replaces glycine 2210 with alanine.
Molecular consequence: missense variant.
Genome position (GRCh38, 1-based): chr2:27,243,469, G>C. VCF-style: chr2-27243469-G-C. GRCh37 (hg19) VCF-style: chr2-27466337-G-C.
Other names: c.6440G>C, p.Gly2147Ala (NM_001306079.2); short protein forms G2210A, G2147A.
Identifiers: ClinVar variation 1389059 (VCV001389059.5), dbSNP rs1320811672, ClinGen allele CA346225509.
Genomic context (GRCh38, chr2:27,243,469, plus strand): 5'-TTTGCAGCGTGGAAGTGGACTCGGATCCCCGCGCAGCCTACTTCCGCCAGGCTGAGAACG[G>C]CATGTACATCCGCATGGCTCTGTTAGCCACCGTGCTGGGCCGTTTCTAGGGCCTGGCTTC-3'
Protein context (NP_004332.2, residues 2200-2220): RAAYFRQAEN[Gly2210Ala]MYIRMALLAT

ClinVar aggregate classification (germline): Uncertain significance (1 of 4 stars; one submission).

Allele frequency attached by ClinVar (database versions not stated): gnomAD 0.00001.
gnomAD v4.1: 6 of 1,609,998 alleles (0.00037%); highest among the groups gnomAD compares: Admixed American, 0.005%; no homozygotes.

Submission:

Labcorp Genetics (formerly Invitae), Labcorp
Classification: Uncertain significance. Last evaluated: 2022-07-12. Review status: criteria provided, single submitter. Criteria: Invitae Variant Classification Sherloc (09022015). Collection method: clinical testing. Allele origin: germline.
Comment: This sequence change replaces glycine, which is neutral and non-polar, with alanine, which is neutral and non-polar, at codon 2210 of the CAD protein (p.Gly2210Ala). This variant is present in population databases (no rsID available, gnomAD 0.006%). This variant has not been reported in the literature in individuals affected with CAD-related conditions. ClinVar contains an entry for this variant (Variation ID: 1389059). Algorithms developed to predict the effect of missense changes on protein structure and function are either unavailable or do not agree on the potential impact of this missense change (SIFT: "Deleterious"; PolyPhen-2: "Probably Damaging"; Align-GVGD: "Class C0"). In summary, the available evidence is currently insufficient to determine the role of this variant in disease. Therefore, it has been classified as a Variant of Uncertain Significance.